The following is an entry in ClinVar:

NM_001378418.1(TCF20):c.2155C>T (p.Arg719Ter)

Gene: TCF20 (transcription factor 20; minus strand). Cytogenetic location: 22q13.2.
Variant type: single nucleotide variant.
Coding change: c.2155C>T on transcript NM_001378418.1 (MANE Select); coding-DNA position 2155, C replaced by T.
Protein change: p.Arg719Ter; replaces arginine 719 with a stop codon.
Molecular consequence: nonsense.
Genome position (GRCh38, 1-based): chr22:42,213,151, G>A on the plus strand (C>T on the coding strand, the complement: TCF20 is on the minus strand). VCF-style: chr22-42213151-G-A. GRCh37 (hg19) VCF-style: chr22-42609157-G-A.
Other names: c.2155C>T, p.Arg719Ter (NM_005650.4, NM_181492.3); short protein forms R719*.
Identifiers: ClinVar variation 599642 (VCV000599642.4), dbSNP rs1569150452, ClinGen allele CA411789284.

ClinVar aggregate classification (germline): Pathogenic. Review status: criteria provided, single submitter (1 of 4 stars). 2 submissions from 1 submitter: Pathogenic (1). 1 of the submissions does not count toward it. Last evaluated 2018-11-14.

Conditions:
Neurodevelopmental abnormality. Identifiers: MedGen C4022737, HP:0012759.

Submissions (2):

GeneDx
Classification: Pathogenic for Neurodevelopmental abnormality. Last evaluated: 2018-11-14. Review status: criteria provided, single submitter. Criteria: GeneDx Variant Classification (06012015). Collection method: clinical testing. Allele origin: de novo. Affected: yes.

GeneDx
Classification: Pathogenic. Last evaluated: 2019-11-14. Review status: flagged submission. Criteria: GeneDx Variant Classification (06012015). Collection method: clinical testing. Allele origin: germline. Affected: yes. Not counted in ClinVar's aggregate classification.
Comment: The R719X variant in the TCF20 gene has been observed in internal GeneDx whole exome sequencing data in association with developmental delay, autism spectrum disorder, neurobehavioral concerns, and neurologic abnormalities. This variant is predicted to cause loss of normal protein function either through protein truncation or nonsense-mediated mRNA decay. The R719X variant is not observed in large population cohorts (Lek et al., 2016). Therefore, we interpret R719X as a pathogenic variant.
ClinVar note: Reason: This record appears to be redundant with a more recent record from the same submitter.
ClinVar note: Notes: SCV000890382 appears to be redundant with SCV000854579.